The following is an entry in ClinVar:

ClinVar aggregate classification (germline): Uncertain significance (1 of 4 stars; one submission).

Conditions:
Microcephaly 23, primary, autosomal recessive. Identifiers: MedGen C4693843, MONDO:0054806, OMIM 617985.

Allele frequency attached by ClinVar (database versions not stated): 1000 Genomes Project 0.00080; ESP Exome Variant Server 0.00108; 1000 Genomes Project 30x 0.00062; TOPMed 0.00122; ExAC 0.00031; gnomAD exomes 0.00006 and 0.00023; gnomAD 0.00096 and 0.00106.
gnomAD v4.1: 239 of 1,614,170 alleles (0.015%); highest among the groups gnomAD compares: African/African-American, 0.3%; no homozygotes.

Submissions (3):

Baylor Genetics
Classification: Uncertain significance for Microcephaly 23, primary, autosomal recessive. Last evaluated: 2019-12-04. Review status: criteria provided, single submitter. Criteria: ACMG Guidelines, 2015. Collection method: clinical testing. Allele origin: unknown. Affected: yes.
Comment: This variant was determined to be of uncertain significance according to ACMG Guidelines, 2015 [PMID:25741868].

Dr. Peter K. Rogan Lab, Western University
No classification provided (evidence only). Condition: Melanoma. Review status: no classification provided. Collection method: in vitro. Allele origin: not applicable. Functional consequence: retained intron. Not counted in ClinVar's aggregate classification.

Dr. Peter K. Rogan Lab, Western University
No classification provided (evidence only). Condition: Uterine corpus endometrial carcinoma. Review status: no classification provided. Collection method: in vitro. Allele origin: not applicable. Functional consequence: retained intron. Not counted in ClinVar's aggregate classification.

NM_015341.5(NCAPH):c.1867G>A (p.Ala623Thr)

Gene: NCAPH (non-SMC condensin I complex subunit H; plus strand). Cytogenetic location: 2q11.2.
Variant type: single nucleotide variant.
Coding change: c.1867G>A on transcript NM_015341.5 (MANE Select); coding-DNA position 1867, G replaced by A.
Protein change: p.Ala623Thr; replaces alanine 623 with threonine.
Molecular consequence: missense variant.
Genome position (GRCh38, 1-based): chr2:96,366,044, G>A. VCF-style: chr2-96366044-G-A. GRCh37 (hg19) VCF-style: chr2-97031782-G-A.
Other names: NC_000002.11:g.97031782G>A; c.1834G>A, p.Ala612Thr (NM_001281710.2); c.1795G>A, p.Ala599Thr (NM_001281711.2); c.1459G>A, p.Ala487Thr (NM_001281712.2); short protein forms A487T, A599T, A612T, A623T.
Identifiers: ClinVar variation 1027975 (VCV001027975.2), dbSNP rs111936698, ClinGen allele CA1780238.
Genomic context (GRCh38, chr2:96,366,044, plus strand): 5'-GGTGACACTCCAGAAGCCCAAGGATTAGACATCACAACATATGGGGAGTCAAACTTGGTA[G>A]CTGAGCCTCAGAAGGTACGGATGAAACAGCTGAGAATTACATTGTTTGCCTGAAATCTAT-3'
Protein context (NP_056156.2, residues 613-633): ITTYGESNLV[Ala623Thr]EPQKVNKIEI